The following is an entry in ClinVar:

NM_031433.4(MFRP):c.475A>G (p.Asn159Asp)

Genes: C1QTNF5 (C1q and TNF related 5; minus strand), MFRP (membrane frizzled-related protein; minus strand). Cytogenetic location: 11q23.3.
Variant type: single nucleotide variant.
Coding change: c.475A>G on transcript NM_031433.4 (MANE Select); coding-DNA position 475, A replaced by G.
Protein change: p.Asn159Asp; replaces asparagine 159 with aspartic acid.
Molecular consequence: missense variant. On other transcripts: 5 prime UTR variant (1).
Genome position (GRCh38, 1-based): chr11:119,345,586, T>C on the plus strand (A>G on the coding strand, the complement: MFRP is on the minus strand). VCF-style: chr11-119345586-T-C. GRCh37 (hg19) VCF-style: chr11-119216296-T-C.
Other names: c.-2162A>G (NM_015645.5); short protein forms N159D.
Identifiers: ClinVar variation 1943417 (VCV001943417.3), dbSNP rs1206851760, ClinGen allele CA382978455.

ClinVar aggregate classification (germline): Uncertain significance (1 of 4 stars; one submission).

Conditions:
Isolated microphthalmia 5. Also called: Posterior Microphthalmia with Retinitis Pigmentosa, Foveoschisis, and Optic Disc Drusen. Identifiers: Orphanet 251279, MedGen C1970236, MONDO:0012605, OMIM 611040.

Allele frequency attached by ClinVar (database versions not stated): gnomAD exomes below 0.00001.

Submission:

Labcorp Genetics (formerly Invitae), Labcorp
Classification: Uncertain significance for Isolated microphthalmia 5. Last evaluated: 2022-11-22. Review status: criteria provided, single submitter. Criteria: Invitae Variant Classification Sherloc (09022015). Collection method: clinical testing. Allele origin: germline.
Comment: This variant has not been reported in the literature in individuals affected with MFRP-related conditions. This variant is present in population databases (no rsID available, gnomAD 0.003%). This sequence change replaces asparagine, which is neutral and polar, with aspartic acid, which is acidic and polar, at codon 159 of the MFRP protein (p.Asn159Asp). Advanced modeling of protein sequence and biophysical properties (such as structural, functional, and spatial information, amino acid conservation, physicochemical variation, residue mobility, and thermodynamic stability) performed at Invitae indicates that this missense variant is expected to disrupt MFRP protein function. In summary, the available evidence is currently insufficient to determine the role of this variant in disease. Therefore, it has been classified as a Variant of Uncertain Significance.